The following is an entry in ClinVar:

ClinVar aggregate classification (germline): Likely pathogenic (1 of 4 stars; one submission).

Conditions:
Aortic aneurysm, familial thoracic 7 (AAT7). Also called: AORTIC DISSECTION, FAMILIAL, WITH OR WITHOUT AORTIC ANEURYSM. Identifiers: MedGen C3151077, MONDO:0013418, OMIM 613780.

Submission:

Labcorp Genetics (formerly Invitae), Labcorp
Classification: Likely pathogenic for Aortic aneurysm, familial thoracic 7. Last evaluated: 2025-06-02. Review status: criteria provided, single submitter. Criteria: Invitae Variant Classification Sherloc (09022015). Collection method: clinical testing. Allele origin: germline.
Comment: This sequence change affects a donor splice site in intron 18 of the MYLK gene. It is expected to disrupt RNA splicing. Variants that disrupt the donor or acceptor splice site typically lead to a loss of protein function (PMID: 16199547), and loss-of-function variants in MYLK are known to be pathogenic (PMID: 21055718, 28602422). This variant is not present in population databases (gnomAD no frequency). This variant has not been reported in the literature in individuals affected with MYLK-related conditions. Algorithms developed to predict the effect of sequence changes on RNA splicing suggest that this variant may disrupt the consensus splice site. In summary, the currently available evidence indicates that the variant is pathogenic, but additional data are needed to prove that conclusively. Therefore, this variant has been classified as Likely Pathogenic.

Literature cited by the submitters: PubMed 16199547; PubMed 21055718; PubMed 28602422.

NM_053025.4(MYLK):c.3448+1G>A

Gene: MYLK (myosin light chain kinase; minus strand). Cytogenetic location: 3q21.1.
Variant type: single nucleotide variant.
Coding change: c.3448+1G>A on transcript NM_053025.4 (MANE Select); the canonical splice donor site of the intron after coding-DNA position 3448, G replaced by A.
Molecular consequence: splice donor variant.
Genome position (GRCh38, 1-based): chr3:123,700,019, C>T on the plus strand (G>A on the coding strand, the complement: MYLK is on the minus strand). VCF-style: chr3-123700019-C-T. GRCh37 (hg19) VCF-style: chr3-123418866-C-T.
Other names: c.2920+1G>A (NM_001321309.2); c.3241+1G>A (NM_053028.4, NM_053026.4); c.3448+1G>A (NM_053027.4).
Identifiers: ClinVar variation 4811770 (VCV004811770.1).